The following is an entry in ClinVar:

ClinVar aggregate classification (germline): Uncertain significance. Review status: criteria provided, multiple submitters, no conflicts (2 of 4 stars). 2 submissions from 2 submitters: Uncertain significance (2). Last evaluated 2025-11-03.

Conditions:
Familial melanoma. Also called: Hereditary melanoma; Hereditary cutaneous melanoma. Identifiers: Orphanet 618, MedGen C1512419, MONDO:0018961.
Hereditary cancer-predisposing syndrome. Also called: Hereditary Cancer Syndrome; Tumor predisposition; Hereditary neoplastic syndrome; Neoplastic Syndromes, Hereditary. Identifiers: Orphanet 140162, MedGen C0027672, MeSH D009386, MONDO:0015356.

Allele frequency attached by ClinVar (database versions not stated): gnomAD exomes below 0.00001.
gnomAD v4.1: 1 of 1,613,960 alleles (0.000062%); highest among the groups gnomAD compares: African/African-American, 0.0013%; no homozygotes.

Submissions (2):

Ambry Genetics
Classification: Uncertain significance for Hereditary cancer-predisposing syndrome. Last evaluated: 2025-11-03. Review status: criteria provided, single submitter. Criteria: Ambry Variant Classification Scheme 2023. Collection method: clinical testing. Allele origin: germline.
Comment: The p.M264V variant (also known as c.790A>G), located in coding exon 6 of the CDK4 gene, results from an A to G substitution at nucleotide position 790. The methionine at codon 264 is replaced by valine, an amino acid with highly similar properties. This amino acid position is not well conserved in available vertebrate species. In addition, this alteration is predicted to be tolerated by in silico analysis. Since supporting evidence is limited at this time, the clinical significance of this alteration remains unclear.

Labcorp Genetics (formerly Invitae), Labcorp
Classification: Uncertain significance for Familial melanoma. Last evaluated: 2024-12-04. Review status: criteria provided, single submitter. Criteria: Invitae Variant Classification Sherloc (09022015). Collection method: clinical testing. Allele origin: germline.
Comment: This sequence change replaces methionine, which is neutral and non-polar, with valine, which is neutral and non-polar, at codon 264 of the CDK4 protein (p.Met264Val). This variant is not present in population databases (gnomAD no frequency). This variant has not been reported in the literature in individuals affected with CDK4-related conditions. ClinVar contains an entry for this variant (Variation ID: 1041436). Invitae Evidence Modeling of protein sequence and biophysical properties (such as structural, functional, and spatial information, amino acid conservation, physicochemical variation, residue mobility, and thermodynamic stability) indicates that this missense variant is not expected to disrupt CDK4 protein function with a negative predictive value of 95%. In summary, the available evidence is currently insufficient to determine the role of this variant in disease. Therefore, it has been classified as a Variant of Uncertain Significance.

NM_000075.4(CDK4):c.790A>G (p.Met264Val)

Genes: CDK4 (cyclin dependent kinase 4; minus strand), TSPAN31 (tetraspanin 31; plus strand). Cytogenetic location: 12q14.1.
Variant type: single nucleotide variant.
Coding change: c.790A>G on transcript NM_000075.4 (MANE Select); coding-DNA position 790, A replaced by G.
Protein change: p.Met264Val; replaces methionine 264 with valine.
Molecular consequence: missense variant. On other transcripts: 3 prime UTR variant (3).
Genome position (GRCh38, 1-based): chr12:57,749,211, T>C on the plus strand (A>G on the coding strand, the complement: CDK4 is on the minus strand). VCF-style: chr12-57749211-T-C. GRCh37 (hg19) VCF-style: chr12-58142994-T-C.
Other names: c.*1921T>C (NM_001330168.2, NM_001330169.2, NM_005981.5); short protein forms M264V.
Identifiers: ClinVar variation 1041436 (VCV001041436.11), dbSNP rs1955200152, ClinGen allele CA385543097.